The following is an entry in ClinVar:

NM_012448.4(STAT5B):c.2159G>T (p.Gly720Val)

Gene: STAT5B (signal transducer and activator of transcription 5B; minus strand). Cytogenetic location: 17q21.2.
Variant type: single nucleotide variant.
Coding change: c.2159G>T on transcript NM_012448.4 (MANE Select); coding-DNA position 2159, G replaced by T.
Protein change: p.Gly720Val; replaces glycine 720 with valine.
Molecular consequence: missense variant.
Genome position (GRCh38, 1-based): chr17:42,202,418, C>A on the plus strand (G>T on the coding strand, the complement: STAT5B is on the minus strand). VCF-style: chr17-42202418-C-A. GRCh37 (hg19) VCF-style: chr17-40354436-C-A.
Other names: short protein forms G720V.
Identifiers: ClinVar variation 2755391 (VCV002755391.3), dbSNP rs2508697865, ClinGen allele CA399573589.
Genomic context (GRCh38, chr17:42,202,418, plus strand): 5'-TAGTGAGCCTGGGGACACACAGCTGGGGAGGGGGCCTGGTCCATGTACGTGGCGCTGCCG[C>A]CCCCGGCATCTGCAGATGCGTTCACAAACCTGCAGAAGGAAGAGAACAGAGCTTCAGCTG-3'
Protein context (NP_036580.2, residues 710-730): EFVNASADAG[Gly720Val]GSATYMDQAP

ClinVar aggregate classification (germline): Uncertain significance (1 of 4 stars; one submission).

Conditions:
Growth hormone insensitivity with immune dysregulation 1, autosomal recessive. Also called: GROWTH HORMONE INSENSITIVITY SYNDROME WITH IMMUNE DYSREGULATION 1, AUTOSOMAL RECESSIVE; GROWTH HORMONE INSENSITIVITY DUE TO POSTRECEPTOR DEFECT; Laron syndrome with immunodeficiency; LARON SYNDROME DUE TO POSTRECEPTOR DEFECT. Identifiers: Orphanet 220465, MedGen C5435698, MONDO:0100211, OMIM 245590.

Submission:

Labcorp Genetics (formerly Invitae), Labcorp
Classification: Uncertain significance for Growth hormone insensitivity with immune dysregulation 1, autosomal recessive. Last evaluated: 2023-08-27. Review status: criteria provided, single submitter. Criteria: Invitae Variant Classification Sherloc (09022015). Collection method: clinical testing. Allele origin: germline.
Comment: This sequence change replaces glycine, which is neutral and non-polar, with valine, which is neutral and non-polar, at codon 720 of the STAT5B protein (p.Gly720Val). This variant is not present in population databases (gnomAD no frequency). This variant has not been reported in the literature in individuals affected with STAT5B-related conditions. An algorithm developed to predict the effect of missense changes on protein structure and function (PolyPhen-2) suggests that this variant is likely to be disruptive. In summary, the available evidence is currently insufficient to determine the role of this variant in disease. Therefore, it has been classified as a Variant of Uncertain Significance.